The following is an entry in ClinVar:

NM_022051.3(EGLN1):c.80T>C (p.Met27Thr)

Gene: EGLN1 (egl-9 family hypoxia inducible factor 1; minus strand). Cytogenetic location: 1q42.2.
Variant type: single nucleotide variant.
Coding change: c.80T>C on transcript NM_022051.3 (MANE Select); coding-DNA position 80, T replaced by C.
Protein change: p.Met27Thr; replaces methionine 27 with threonine.
Molecular consequence: missense variant.
Genome position (GRCh38, 1-based): chr1:231,421,809, A>G on the plus strand (T>C on the coding strand, the complement: EGLN1 is on the minus strand). VCF-style: chr1-231421809-A-G. GRCh37 (hg19) VCF-style: chr1-231557555-A-G.
Other names: c.80T>C, p.Met27Thr (NM_001377260.1, NM_001377261.1); short protein forms M27T.
Identifiers: ClinVar variation 1762003 (VCV001762003.2), dbSNP rs2527362129, ClinGen allele CA345239130.
Genomic context (GRCh38, chr1:231,421,809, plus strand): 5'-TGGTGCTCCTTGCAGCAGTAGAAGGAGCTGCGGCAGCGGCTGCAGCGCAGCAGGTTCTCC[A>G]TCTTCCCGCACAGCTCGCAGTACTGCCGGTCTCGCTCGCTCGGGCTCGGCCCGCCGGGCC-3'
Protein context (NP_071334.1, residues 17-37): DRQYCELCGK[Met27Thr]ENLLRCSRCR

ClinVar aggregate classification (germline): Uncertain significance (1 of 4 stars; one submission).

Submission:

Ambry Genetics
Classification: Uncertain significance. Last evaluated: 2021-08-30. Review status: criteria provided, single submitter. Criteria: Ambry Variant Classification Scheme 2023. Collection method: clinical testing. Allele origin: germline.
Comment: The p.M27T variant (also known as c.80T>C), located in coding exon 1 of the EGLN1 gene, results from a T to C substitution at nucleotide position 80. The methionine at codon 27 is replaced by threonine, an amino acid with similar properties. This amino acid position is conserved. In addition, the in silico prediction for this alteration is inconclusive. Since supporting evidence is limited at this time, the clinical significance of this alteration remains unclear.